The following is an entry in ClinVar:

NM_000059.4(BRCA2):c.7406C>A (p.Thr2469Asn)

Gene: BRCA2 (BRCA2 DNA repair associated; plus strand). Cytogenetic location: 13q13.1.
Variant type: single nucleotide variant.
Coding change: c.7406C>A on transcript NM_000059.4 (MANE Select); coding-DNA position 7406, C replaced by A.
Protein change: p.Thr2469Asn; replaces threonine 2469 with asparagine.
Molecular consequence: missense variant. On other transcripts: non-coding transcript variant (1).
Genome position (GRCh38, 1-based): chr13:32,355,259, C>A. VCF-style: chr13-32355259-C-A. GRCh37 (hg19) VCF-style: chr13-32929396-C-A.
Other names: c.2474C>A, p.Thr825Asn (NM_001406721.1); c.989C>A, p.Thr330Asn (NM_001406722.1); c.7406C>A, p.Thr2469Asn (NM_001432077.1, NM_001406720.1); c.7310C>A, p.Thr2437Asn (NM_001406719.1); short protein forms T2469N, T330N, T825N, T2437N.
Identifiers: ClinVar variation 5033304 (VCV005033304.1).

ClinVar aggregate classification (germline): Uncertain significance (1 of 4 stars; one submission).

Conditions:
Hereditary cancer-predisposing syndrome. Also called: Neoplastic Syndromes, Hereditary; Tumor predisposition; Hereditary neoplastic syndrome; Hereditary Cancer Syndrome. Identifiers: Orphanet 140162, MedGen C0027672, MeSH D009386, MONDO:0015356.

Submission:

Ambry Genetics
Classification: Uncertain significance for Hereditary cancer-predisposing syndrome. Last evaluated: 2026-07-11. Review status: criteria provided, single submitter. Criteria: Ambry Variant Classification Scheme 2023. Collection method: clinical testing. Allele origin: germline.
Comment: The p.T2469N variant (also known as c.7406C>A), located in coding exon 13 of the BRCA2 gene, results from a C to A substitution at nucleotide position 7406. The threonine at codon 2469 is replaced by asparagine, an amino acid with similar properties. This amino acid position is conserved. In addition, this alteration is predicted to be tolerated by in silico analysis. Based on the available evidence, the clinical significance of this variant remains unclear.